The following is an entry in ClinVar:

NM_001042492.3(NF1):c.13A>T (p.Arg5Trp)

Genes: NF1 (neurofibromin 1; plus strand), MIR4733HG (MIR4733 host gene; minus strand), LOC111811965 (NF1 (neurofibromin 1) promoter region; plus strand). Cytogenetic location: 17q11.2.
Variant type: single nucleotide variant.
Coding change: c.13A>T on transcript NM_001042492.3 (MANE Select); coding-DNA position 13, A replaced by T.
Protein change: p.Arg5Trp; replaces arginine 5 with tryptophan.
Molecular consequence: missense variant. On other transcripts: non-coding transcript variant (1).
Genome position (GRCh38, 1-based): chr17:31,095,322, A>T. VCF-style: chr17-31095322-A-T. GRCh37 (hg19) VCF-style: chr17-29422340-A-T.
Other names: c.13A>T, p.Arg5Trp (NM_000267.4, NM_001128147.3); short protein forms R5W.
Identifiers: ClinVar variation 819120 (VCV000819120.4), dbSNP rs1598173775, ClinGen allele CA398979203.

ClinVar aggregate classification (germline): Uncertain significance (1 of 4 stars; one submission).

Conditions:
Cardiovascular phenotype. Identifiers: MedGen CN230736.
Hereditary cancer-predisposing syndrome. Also called: Tumor predisposition; Hereditary neoplastic syndrome; Neoplastic Syndromes, Hereditary; Hereditary Cancer Syndrome. Identifiers: Orphanet 140162, MedGen C0027672, MeSH D009386, MONDO:0015356.

Submission:

Ambry Genetics
Classification: Uncertain significance for Cardiovascular phenotype; Hereditary cancer-predisposing syndrome. Last evaluated: 2019-09-04. Review status: criteria provided, single submitter. Criteria: Ambry Variant Classification Scheme 2023. Collection method: clinical testing. Allele origin: germline.
Comment: The p.R5W variant (also known as c.13A>T), located in coding exon 1 of the NF1 gene, results from an A to T substitution at nucleotide position 13. The arginine at codon 5 is replaced by tryptophan, an amino acid with dissimilar properties. This amino acid position is not well conserved in available vertebrate species. In addition, this alteration is predicted to be tolerated by in silico analysis. Since supporting evidence is limited at this time, the clinical significance of this alteration remains unclear.